The following is an entry in ClinVar:

NM_004260.4(RECQL4):c.13C>T (p.Arg5Trp)

Genes: RECQL4 (RecQ like helicase 4; minus strand), LOC130001411 (ATAC-STARR-seq lymphoblastoid silent region 19699; plus strand). Cytogenetic location: 8q24.3.
Variant type: single nucleotide variant.
Coding change: c.13C>T on transcript NM_004260.4 (MANE Select); coding-DNA position 13, C replaced by T.
Protein change: p.Arg5Trp; replaces arginine 5 with tryptophan.
Molecular consequence: missense variant.
Genome position (GRCh38, 1-based): chr8:144,517,772, G>A on the plus strand (C>T on the coding strand, the complement: RECQL4 is on the minus strand). VCF-style: chr8-144517772-G-A. GRCh37 (hg19) VCF-style: chr8-145743156-G-A.
Other names: c.13C>T (NM_004260.3); short protein forms R5W.
Identifiers: ClinVar variation 1373729 (VCV001373729.7), dbSNP rs557142503, ClinGen allele CA187691327.

ClinVar aggregate classification (germline): Uncertain significance. Review status: criteria provided, multiple submitters, no conflicts (2 of 4 stars). 2 submissions from 2 submitters: Uncertain significance (2). Last evaluated 2025-10-05.

Conditions:
Baller-Gerold syndrome (BGS). Also called: CRANIOSYNOSTOSIS WITH RADIAL DEFECTS. Identifiers: Orphanet 1225, MedGen C0265308, MONDO:0009039, OMIM 218600.
Inborn genetic diseases. Identifiers: MedGen C0950123, MeSH D030342.

Allele frequency attached by ClinVar (database versions not stated): gnomAD 0.00001; gnomAD exomes 0.00001; TOPMed 0.00001; 1000 Genomes Project 30x 0.00031; 1000 Genomes Project 0.00040.

Submissions (2):

Ambry Genetics
Classification: Uncertain significance for Inborn genetic diseases. Last evaluated: 2025-10-05. Review status: criteria provided, single submitter. Criteria: Ambry Variant Classification Scheme 2023. Collection method: clinical testing. Allele origin: germline.
Comment: The p.R5W variant (also known as c.13C>T), located in coding exon 1 of the RECQL4 gene, results from a C to T substitution at nucleotide position 13. The arginine at codon 5 is replaced by tryptophan, an amino acid with dissimilar properties. This amino acid position is conserved. In addition, this alteration is predicted to be tolerated by in silico analysis. Based on the available evidence, the clinical significance of this variant remains unclear.

Labcorp Genetics (formerly Invitae), Labcorp
Classification: Uncertain significance for Baller-Gerold syndrome. Last evaluated: 2023-02-14. Review status: criteria provided, single submitter. Criteria: Invitae Variant Classification Sherloc (09022015). Collection method: clinical testing. Allele origin: germline.
Comment: In summary, the available evidence is currently insufficient to determine the role of this variant in disease. Therefore, it has been classified as a Variant of Uncertain Significance. Experimental studies and prediction algorithms are not available or were not evaluated, and the functional significance of this variant is currently unknown. ClinVar contains an entry for this variant (Variation ID: 1373729). This variant has not been reported in the literature in individuals affected with RECQL4-related conditions. This variant is not present in population databases (gnomAD no frequency). This sequence change replaces arginine, which is basic and polar, with tryptophan, which is neutral and slightly polar, at codon 5 of the RECQL4 protein (p.Arg5Trp).